The following is an entry in ClinVar:

NM_001355436.2(SPTB):c.640A>T (p.Lys214Ter)

Gene: SPTB (spectrin beta, erythrocytic; minus strand). Cytogenetic location: 14q23.3.
Variant type: single nucleotide variant.
Coding change: c.640A>T on transcript NM_001355436.2 (MANE Select); coding-DNA position 640, A replaced by T.
Protein change: p.Lys214Ter; replaces lysine 214 with a stop codon.
Molecular consequence: nonsense.
Genome position (GRCh38, 1-based): chr14:64,801,761, T>A on the plus strand (A>T on the coding strand, the complement: SPTB is on the minus strand). VCF-style: chr14-64801761-T-A. GRCh37 (hg19) VCF-style: chr14-65268479-T-A.
Other names: c.640A>T, p.Lys214Ter (NM_001024858.4, NM_001355437.2); short protein forms K214*.
Identifiers: ClinVar variation 3765286 (VCV003765286.1).

ClinVar aggregate classification (germline): Likely pathogenic (1 of 4 stars; one submission).

Submission:

Center for Genomic Medicine, Rigshospitalet, Copenhagen University Hospital
Classification: Likely pathogenic. Last evaluated: 2025-03-04. Review status: criteria provided, single submitter. Criteria: ACMG Guidelines, 2015. Collection method: clinical testing. Allele origin: germline.
Comment: Classification criteria: PM2, PVS1